The following is an entry in ClinVar:

ClinVar aggregate classification (germline): Pathogenic (1 of 4 stars; one submission).

Conditions:
Neuronal ceroid lipofuscinosis. Also called: Neuronal Ceroid Lipofuscinoses. Identifiers: Orphanet 216, Orphanet 79263, MedGen C0027877, MONDO:0016295. Disease mechanism: loss of function.

Submission:

Labcorp Genetics (formerly Invitae), Labcorp
Classification: Pathogenic for Neuronal ceroid lipofuscinosis. Last evaluated: 2019-10-21. Review status: criteria provided, single submitter. Criteria: Invitae Variant Classification Sherloc (09022015). Collection method: clinical testing. Allele origin: germline.
Comment: Loss-of-function variants in CLN6 are known to be pathogenic (PMID: 19135028). This variant has not been reported in the literature in individuals with CLN6-related conditions. The frequency data for this variant in the population databases is considered unreliable, as metrics indicate insufficient coverage at this position in the ExAC database. This sequence change creates a premature translational stop signal (p.Ser23Profs*10) in the CLN6 gene. It is expected to result in an absent or disrupted protein product. For these reasons, this variant has been classified as Pathogenic.

Literature cited by the submitters: PubMed 19135028.

NM_017882.3(CLN6):c.66del (p.Ser23fs)

Gene: CLN6 (CLN6 transmembrane ER protein; minus strand). Cytogenetic location: 15q23.
Variant type: Deletion.
Coding change: c.66del on transcript NM_017882.3 (MANE Select); coding-DNA position 66, one base deleted (C; older notation c.66delC).
Protein change: p.Ser23fs; shifts the reading frame from serine 23.
Molecular consequence: frameshift variant.
Genome position (GRCh38, 1-based): chr15:68,229,519, G deleted on the plus strand (C on the coding strand, the reverse complement: CLN6 is on the minus strand); the first of 2 consecutive G bases (chr15:68,229,519-68,229,520); deleting either gives the same sequence. VCF-style (leftmost placement, unchanged base first): chr15-68229518-AG-A. GRCh37 (hg19) VCF-style: chr15-68521856-AG-A.
Other names: short protein forms S23fs.
Identifiers: ClinVar variation 967030 (VCV000967030.8), dbSNP rs2093262507, ClinGen allele CA1139664050.